The following is an entry in ClinVar:

ClinVar aggregate classification (germline): Uncertain significance (1 of 4 stars; one submission).

Conditions:
Congenital prothrombin deficiency. Also called: HYPOPROTHROMBINEMIA; Factor II deficiency; Inherited hypoprothrombinemia; Congenital factor II deficiency; Inherited prothrombin deficiency; Hereditary factor II deficiency disease. Identifiers: Orphanet 325, MedGen C0272317, MONDO:0013361, OMIM 613679.

Submission:

Labcorp Genetics (formerly Invitae), Labcorp
Classification: Uncertain significance for Congenital prothrombin deficiency. Last evaluated: 2024-04-10. Review status: criteria provided, single submitter. Criteria: Invitae Variant Classification Sherloc (09022015). Collection method: clinical testing. Allele origin: germline.
Comment: This sequence change replaces proline, which is neutral and non-polar, with alanine, which is neutral and non-polar, at codon 471 of the F2 protein (p.Pro471Ala). This variant is present in population databases (rs377462682, gnomAD 0.01%). This variant has not been reported in the literature in individuals affected with F2-related conditions. Advanced modeling of protein sequence and biophysical properties (such as structural, functional, and spatial information, amino acid conservation, physicochemical variation, residue mobility, and thermodynamic stability) performed at Invitae indicates that this missense variant is not expected to disrupt F2 protein function with a negative predictive value of 80%. In summary, the available evidence is currently insufficient to determine the role of this variant in disease. Therefore, it has been classified as a Variant of Uncertain Significance.

NM_000506.5(F2):c.1411C>G (p.Pro471Ala)

Gene: F2 (coagulation factor II, thrombin; plus strand). Cytogenetic location: 11p11.2.
Variant type: single nucleotide variant.
Coding change: c.1411C>G on transcript NM_000506.5 (MANE Select); coding-DNA position 1411, C replaced by G.
Protein change: p.Pro471Ala; replaces proline 471 with alanine.
Molecular consequence: missense variant.
Genome position (GRCh38, 1-based): chr11:46,728,776, C>G. VCF-style: chr11-46728776-C-G. GRCh37 (hg19) VCF-style: chr11-46750326-C-G.
Other names: short protein forms P471A.
Identifiers: ClinVar variation 3669143 (VCV003669143.1).